The following is an entry in ClinVar:

ClinVar aggregate classification (germline): Benign (1 of 4 stars; one submission).

Conditions:
Glucocorticoid deficiency 1 (GCCD1). Also called: Adrenal unresponsiveness to acth; Glucocorticoid deficiency, due to ACTH unresponsiveness; FAMILIAL GLUCOCORTICOID DEFICIENCY 1. Identifiers: Orphanet 361, MedGen C4049650, MONDO:0024536, OMIM 202200.

Allele frequency attached by ClinVar (database versions not stated): gnomAD exomes 0.00055; gnomAD 0.00611 and 0.00657; TOPMed 0.00638; 1000 Genomes Project 0.00659; 1000 Genomes Project 30x 0.00718.
gnomAD v4.1: 1,646 of 1,424,988 alleles (0.12%); highest among the groups gnomAD compares: African/African-American, 2.1%; 13 homozygotes.

Submission:

Illumina Laboratory Services, Illumina
Classification: Benign for Glucocorticoid deficiency 1. Last evaluated: 2018-01-12. Review status: criteria provided, single submitter. Criteria: ICSL Variant Classification Criteria 13 December 2019. Collection method: clinical testing. Allele origin: germline.
Comment: This variant was observed in the ICSL laboratory as part of a predisposition screen in an ostensibly healthy population. It had not been previously curated by ICSL or reported in the Human Gene Mutation Database (HGMD: prior to June 1st, 2018), and was therefore a candidate for classification through an automated scoring system. Utilizing variant allele frequency, disease prevalence and penetrance estimates, and inheritance mode, an automated score was calculated to assess if this variant is too frequent to cause the disease. Based on the score and internal cut-off values, a variant classified as benign is not then subjected to further curation. The score for this variant resulted in a classification of benign for this disease.

NM_000529.2(MC2R):c.-90T>C

Gene: MC2R (melanocortin 2 receptor; minus strand). Cytogenetic location: 18p11.21.
Variant type: single nucleotide variant.
Coding change: c.-90T>C on transcript NM_000529.2 (MANE Select); 90 bases upstream of the start codon, T replaced by C.
Molecular consequence: 5 prime UTR variant.
Genome position (GRCh38, 1-based): chr18:13,885,608, A>G on the plus strand (T>C on the coding strand, the complement: MC2R is on the minus strand). VCF-style: chr18-13885608-A-G. GRCh37 (hg19) VCF-style: chr18-13885607-A-G.
Other names: c.-90T>C (NM_001291911.1).
Identifiers: ClinVar variation 890043 (VCV000890043.4), dbSNP rs35534963, ClinGen allele CA296828957.
Genomic context (GRCh38, chr18:13,885,608, plus strand): 5'-TTACTTGGACTTGACTTCACGGAAAACTTGATTGATTCTTCAGGATCTTTTCTTCCTTGT[A>G]GCACTTGCTGGAGATCTAAGTTAAAATCTCCCAATCACCTAAAAGGGAGTATACAGAAAT-3'